The following is an entry in ClinVar:

NM_020937.4(FANCM):c.5479A>G (p.Ile1827Val)

Gene: FANCM (FA complementation group M; plus strand). Cytogenetic location: 14q21.2.
Variant type: single nucleotide variant.
Coding change: c.5479A>G on transcript NM_020937.4 (MANE Select); coding-DNA position 5479, A replaced by G.
Protein change: p.Ile1827Val; replaces isoleucine 1827 with valine.
Molecular consequence: missense variant.
Genome position (GRCh38, 1-based): chr14:45,196,310, A>G. VCF-style: chr14-45196310-A-G. GRCh37 (hg19) VCF-style: chr14-45665513-A-G.
Other names: c.5401A>G, p.Ile1801Val (NM_001308133.2); short protein forms I1801V, I1827V.
Identifiers: ClinVar variation 4022873 (VCV004022873.1).

ClinVar aggregate classification (germline): Uncertain significance (1 of 4 stars; one submission).

Conditions:
Inborn genetic diseases. Identifiers: MedGen C0950123, MeSH D030342.

gnomAD v4.1: 1 of 1,614,160 alleles (0.000062%); highest among the groups gnomAD compares: Non-Finnish European, 0.000085%; no homozygotes.

Submission:

Ambry Genetics
Classification: Uncertain significance for Inborn genetic diseases. Last evaluated: 2025-06-10. Review status: criteria provided, single submitter. Criteria: Ambry Variant Classification Scheme 2023. Collection method: clinical testing. Allele origin: germline.
Comment: The p.I1827V variant (also known as c.5479A>G), located in coding exon 21 of the FANCM gene, results from an A to G substitution at nucleotide position 5479. The isoleucine at codon 1827 is replaced by valine, an amino acid with highly similar properties. This amino acid position is conserved. In addition, this alteration is predicted to be tolerated by in silico analysis. Based on the available evidence, the clinical significance of this variant remains unclear.